The following is an entry in ClinVar:

NM_000152.5(GAA):c.1538A>C (p.Asp513Ala)

Gene: GAA (alpha glucosidase; plus strand). Cytogenetic location: 17q25.3.
Variant type: single nucleotide variant.
Coding change: c.1538A>C on transcript NM_000152.5 (MANE Select); coding-DNA position 1538, A replaced by C.
Protein change: p.Asp513Ala; replaces aspartic acid 513 with alanine.
Molecular consequence: missense variant.
Genome position (GRCh38, 1-based): chr17:80,110,827, A>C. VCF-style: chr17-80110827-A-C. GRCh37 (hg19) VCF-style: chr17-78084626-A-C.
Other names: c.1538A>C, p.Asp513Ala (NM_001079803.3, NM_001079804.3, NM_001406741.1 and 1 more transcripts); short protein forms D513A.
Identifiers: ClinVar variation 4800916 (VCV004800916.1).

ClinVar aggregate classification (germline): Likely pathogenic (1 of 4 stars; one submission).

Conditions:
Glycogen storage disease, type II (IOPD). Also called: CARDIOMEGALIA GLYCOGENICA DIFFUSA; GLYCOGENOSIS, GENERALIZED, CARDIAC FORM; GSD II; POMPE DISEASE, INFANTILE-ONSET; GLYCOGEN STORAGE DISEASE II, INFANTILE-ONSET; ACID ALPHA-GLUCOSIDASE DEFICIENCY, INFANTILE-ONSET. Identifiers: Orphanet 365, MedGen C0017921, MONDO:0009290, OMIM 232300.

Submission:

Labcorp Genetics (formerly Invitae), Labcorp
Classification: Likely pathogenic for Glycogen storage disease, type II. Last evaluated: 2025-07-30. Review status: criteria provided, single submitter. Criteria: Invitae Variant Classification Sherloc (09022015). Collection method: clinical testing. Allele origin: germline.
Comment: This sequence change replaces aspartic acid, which is acidic and polar, with alanine, which is neutral and non-polar, at codon 513 of the GAA protein (p.Asp513Ala). This variant is not present in population databases (gnomAD no frequency). This variant has not been reported in the literature in individuals affected with GAA-related conditions. Invitae Evidence Modeling of protein sequence and biophysical properties (such as structural, functional, and spatial information, amino acid conservation, physicochemical variation, residue mobility, and thermodynamic stability) indicates that this missense variant is expected to disrupt GAA protein function with a positive predictive value of 95%. This variant disrupts the p.Asp513 amino acid residue in GAA. Other variant(s) that disrupt this residue have been determined to be pathogenic (PMID: 33301762). This suggests that this residue is clinically significant, and that variants that disrupt this residue are likely to be disease-causing. In summary, the currently available evidence indicates that the variant is pathogenic, but additional data are needed to prove that conclusively. Therefore, this variant has been classified as Likely Pathogenic.

Literature cited by the submitters: PubMed 33301762.